The following is an entry in ClinVar:

ClinVar aggregate classification (germline): Uncertain significance (0 of 4 stars; one submission).

Conditions:
MC3R-related disorder. Also called: MC3R-related condition.

Submission:

PreventionGenetics, part of Exact Sciences
Classification: Uncertain significance for MC3R-related condition. Last evaluated: 2023-12-21. Review status: no assertion criteria provided. Collection method: clinical testing. Allele origin: germline.
Comment: The MC3R c.718G>C variant is predicted to result in the amino acid substitution p.Gly240Arg. To our knowledge, this variant has not been reported in the literature. This variant is reported in 0.020% of alleles in individuals of African descent in gnomAD. At this time, the clinical significance of this variant is uncertain due to the absence of conclusive functional and genetic evidence.

NM_019888.3(MC3R):c.718G>C (p.Gly240Arg)

Gene: MC3R (melanocortin 3 receptor; plus strand). Cytogenetic location: 20q13.2.
Variant type: single nucleotide variant.
Coding change: c.718G>C on transcript NM_019888.3 (MANE Select); coding-DNA position 718, G replaced by C.
Protein change: p.Gly240Arg; replaces glycine 240 with arginine.
Molecular consequence: missense variant.
Genome position (GRCh38, 1-based): chr20:56,249,561, G>C. VCF-style: chr20-56249561-G-C. GRCh37 (hg19) VCF-style: chr20-54824617-G-C.
Other names: short protein forms G240R.
Identifiers: ClinVar variation 3046420 (VCV003046420.2), dbSNP rs776955610, ClinGen allele CA9917083.